The following is an entry in ClinVar:

ClinVar aggregate classification (germline): Uncertain significance. Review status: criteria provided, multiple submitters, no conflicts (2 of 4 stars). 2 submissions from 2 submitters: Uncertain significance (2). Last evaluated 2026-07-07.

Conditions:
Hereditary cancer-predisposing syndrome. Also called: Tumor predisposition; Hereditary Cancer Syndrome; Hereditary neoplastic syndrome; Neoplastic Syndromes, Hereditary. Identifiers: Orphanet 140162, MedGen C0027672, MeSH D009386, MONDO:0015356.
Fanconi anemia complementation group J. Also called: BRIP1-Related Fanconi Anemia. Identifiers: Orphanet 84, MedGen C1836860, MONDO:0012187, OMIM 609054.
Familial cancer of breast. Also called: Hereditary breast cancer; hereditary breast carcinoma; BREAST CANCER, FAMILIAL. Identifiers: Orphanet 227535, MedGen C0346153, MONDO:0016419, OMIM 114480. Disease mechanism: loss of function.

Allele frequency attached by ClinVar (database versions not stated): gnomAD exomes below 0.00001.
gnomAD v4.1: 2 of 1,613,512 alleles (0.00012%); highest among the groups gnomAD compares: South Asian, 0.0011%; no homozygotes.

Submissions (2):

Ambry Genetics
Classification: Uncertain significance for Hereditary cancer-predisposing syndrome. Last evaluated: 2026-07-07. Review status: criteria provided, single submitter. Criteria: Ambry Variant Classification Scheme 2023. Collection method: clinical testing. Allele origin: germline.
Comment: The p.Q40P variant (also known as c.119A>C), located in coding exon 2 of the BRIP1 gene, results from an A to C substitution at nucleotide position 119. The glutamine at codon 40 is replaced by proline, an amino acid with similar properties. This amino acid position is conserved. In addition, this alteration is predicted to be deleterious by in silico analysis. Based on the available evidence, the clinical significance of this variant remains unclear.

Labcorp Genetics (formerly Invitae), Labcorp
Classification: Uncertain significance for Familial cancer of breast; Fanconi anemia complementation group J. Last evaluated: 2020-06-16. Review status: criteria provided, single submitter. Criteria: Invitae Variant Classification Sherloc (09022015). Collection method: clinical testing. Allele origin: germline.
Comment: This sequence change replaces glutamine with proline at codon 40 of the BRIP1 protein (p.Gln40Pro). The glutamine residue is highly conserved and there is a moderate physicochemical difference between glutamine and proline. This variant is not present in population databases (ExAC no frequency). This variant has not been reported in the literature in individuals with BRIP1-related conditions. Algorithms developed to predict the effect of missense changes on protein structure and function are either unavailable or do not agree on the potential impact of this missense change (SIFT: "Deleterious"; PolyPhen-2: "Probably Damaging"; Align-GVGD: "Class C0"). In summary, the available evidence is currently insufficient to determine the role of this variant in disease. Therefore, it has been classified as a Variant of Uncertain Significance.

NM_032043.3(BRIP1):c.119A>C (p.Gln40Pro)

Gene: BRIP1 (BRCA1 interacting DNA helicase 1; minus strand). Cytogenetic location: 17q23.2.
Variant type: single nucleotide variant.
Coding change: c.119A>C on transcript NM_032043.3 (MANE Select); coding-DNA position 119, A replaced by C.
Protein change: p.Gln40Pro; replaces glutamine 40 with proline.
Molecular consequence: missense variant.
Genome position (GRCh38, 1-based): chr17:61,859,882, T>G on the plus strand (A>C on the coding strand, the complement: BRIP1 is on the minus strand). VCF-style: chr17-61859882-T-G. GRCh37 (hg19) VCF-style: chr17-59937243-T-G.
Other names: c.119A>C (NM_032043.2); short protein forms Q40P.
Identifiers: ClinVar variation 1020978 (VCV001020978.10), dbSNP rs2078951315, ClinGen allele CA400485832.
Genomic context (GRCh38, chr17:61,859,882, plus strand): 5'-GCAGAACAAAGTAAGGCTAAGCTTTTTCCACTTCCTGTGGGACTCTCCAACAAACAATGT[T>G]GCTTGCTGTTTAATCCTCTGAGAATCTATGAACACAGAAACCAATGAAAATAATAAACAT-3'
Protein context (NP_114432.2, residues 30-50): NSILRGLNSK[Gln40Pro]HCLLESPTGS